The following is an entry in ClinVar:

NM_005655.4(KLF10):c.1082T>A (p.Ile361Asn)

Gene: KLF10 (KLF transcription factor 10; minus strand). Cytogenetic location: 8q22.3.
Variant type: single nucleotide variant.
Coding change: c.1082T>A on transcript NM_005655.4 (MANE Select); coding-DNA position 1082, T replaced by A.
Protein change: p.Ile361Asn; replaces isoleucine 361 with asparagine.
Molecular consequence: missense variant. On other transcripts: non-coding transcript variant (1).
Genome position (GRCh38, 1-based): chr8:102,651,250, A>T on the plus strand (T>A on the coding strand, the complement: KLF10 is on the minus strand). VCF-style: chr8-102651250-A-T. GRCh37 (hg19) VCF-style: chr8-103663478-A-T.
Other names: c.1049T>A, p.Ile350Asn (NM_001032282.4); short protein forms I350N, I361N.
Identifiers: ClinVar variation 4719387 (VCV004719387.1).
Genomic context (GRCh38, chr8:102,651,250, plus strand): 5'-AAGTATGTCTTGCCACATCCTGGGTGGCTACAGATGTGACTCCTTATCCTTGATGAATCA[A>T]TCTGAGGAGTGACTTTTGCTGCTGAAGGGGAAAACCCAGGAGCAGGGGCAATGGGAGAGA-3'
Protein context (NP_005646.1, residues 351-371): SPSAAKVTPQ[Ile361Asn]DSSRIRSHIC

ClinVar aggregate classification (germline): Uncertain significance (1 of 4 stars; one submission).

Submission:

Labcorp Genetics (formerly Invitae), Labcorp
Classification: Uncertain significance. Last evaluated: 2025-05-17. Review status: criteria provided, single submitter. Criteria: Invitae Variant Classification Sherloc (09022015). Collection method: clinical testing. Allele origin: germline.
Comment: This sequence change replaces isoleucine, which is neutral and non-polar, with asparagine, which is neutral and polar, at codon 361 of the KLF10 protein (p.Ile361Asn). This variant is not present in population databases (gnomAD no frequency). This variant has not been reported in the literature in individuals affected with KLF10-related conditions. An algorithm developed to predict the effect of missense changes on protein structure and function (PolyPhen-2) suggests that this variant is likely to be tolerated. In summary, the available evidence is currently insufficient to determine the role of this variant in disease. Therefore, it has been classified as a Variant of Uncertain Significance.